The following is an entry in ClinVar:

ClinVar aggregate classification (germline): Likely benign. Review status: criteria provided, multiple submitters, no conflicts (2 of 4 stars). 4 submissions from 4 submitters: Likely benign (4). Last evaluated 2025-11-17.

Conditions:
Progressive microcephaly-seizures-cortical blindness-developmental delay syndrome. Also called: Seizures, cortical blindness, and microcephaly syndrome. Identifiers: Orphanet 477814, MedGen C5567650, MONDO:0014714, OMIM 616632.
Autosomal dominant nonsyndromic hearing loss 1. Also called: KONIGSMARK SYNDROME; DEAFNESS, AUTOSOMAL DOMINANT 1, WITH OR WITHOUT THROMBOCYTOPENIA. Identifiers: Orphanet 90635, MedGen C1852282, MONDO:0007424, OMIM 124900.

Allele frequency attached by ClinVar (database versions not stated): gnomAD exomes 0.00001 and 0.00003; ExAC 0.00002; gnomAD 0.00004; TOPMed 0.00009.
gnomAD v4.1: 22 of 1,614,130 alleles (0.0014%); highest among the groups gnomAD compares: African/African-American, 0.016%; no homozygotes.

Submissions (4):

Labcorp Genetics (formerly Invitae), Labcorp
Classification: Likely benign for Progressive microcephaly-seizures-cortical blindness-developmental delay syndrome; Autosomal dominant nonsyndromic hearing loss 1. Last evaluated: 2025-11-17. Review status: criteria provided, single submitter. Criteria: Invitae Variant Classification Sherloc (09022015). Collection method: clinical testing. Allele origin: germline.

Mayo Clinic Laboratories, Mayo Clinic
Classification: Likely benign. Last evaluated: 2025-02-18. Review status: criteria provided, single submitter. Criteria: ACMG Guidelines, 2015. Collection method: clinical testing. Allele origin: germline. Observed: 1 variant allele.
Comment: BP4, BP7

Blueprint Genetics
Classification: Likely benign. Last evaluated: 2023-11-30. Review status: criteria provided, single submitter. Criteria: ACMG Guidelines, 2015. Collection method: clinical testing. Allele origin: germline.

CeGaT Center for Human Genetics Tuebingen
Classification: Likely benign. Last evaluated: 2022-05-01. Review status: criteria provided, single submitter. Criteria: CeGaT Center For Human Genetics Tuebingen Variant Classification Criteria Version 2. Collection method: clinical testing. Allele origin: germline. Affected: yes. Observed: 1 variant allele.
Comment: DIAPH1: BP4, BP7

NM_005219.5(DIAPH1):c.453G>A (p.Glu151=)

Gene: DIAPH1 (diaphanous related formin 1; minus strand). Cytogenetic location: 5q31.3.
Variant type: single nucleotide variant.
Coding change: c.453G>A on transcript NM_005219.5 (MANE Select); coding-DNA position 453, G replaced by A.
Protein change: p.Glu151=; no amino-acid change (glutamic acid 151 retained).
Molecular consequence: synonymous variant.
Genome position (GRCh38, 1-based): chr5:141,583,565, C>T on the plus strand (G>A on the coding strand, the complement: DIAPH1 is on the minus strand). VCF-style: chr5-141583565-C-T. GRCh37 (hg19) VCF-style: chr5-140963132-C-T.
Other names: p.Glu151=; c.426G>A, p.Glu142= (NM_001079812.3); c.453G>A, p.Glu151= (NM_001314007.2).
Identifiers: ClinVar variation 744087 (VCV000744087.37), dbSNP rs749681806, ClinGen allele CA3479596.